The following is an entry in ClinVar:

NM_001211.6(BUB1B):c.808A>C (p.Ser270Arg)

Gene: BUB1B (BUB1 mitotic checkpoint serine/threonine kinase B; plus strand). Cytogenetic location: 15q15.1.
Variant type: single nucleotide variant.
Coding change: c.808A>C on transcript NM_001211.6 (MANE Select); coding-DNA position 808, A replaced by C.
Protein change: p.Ser270Arg; replaces serine 270 with arginine.
Molecular consequence: missense variant.
Genome position (GRCh38, 1-based): chr15:40,185,221, A>C. VCF-style: chr15-40185221-A-C. GRCh37 (hg19) VCF-style: chr15-40477422-A-C.
Other names: short protein forms S270R.
Identifiers: ClinVar variation 3483137 (VCV003483137.1).

ClinVar aggregate classification (germline): Uncertain significance (1 of 4 stars; one submission).

Conditions:
Inborn genetic diseases. Identifiers: MedGen C0950123, MeSH D030342.

Submission:

Ambry Genetics
Classification: Uncertain significance for Inborn genetic diseases. Last evaluated: 2024-12-09. Review status: criteria provided, single submitter. Criteria: Ambry Variant Classification Scheme 2023. Collection method: clinical testing. Allele origin: germline.
Comment: The p.S270R variant (also known as c.808A>C), located in coding exon 7 of the BUB1B gene, results from an A to C substitution at nucleotide position 808. The serine at codon 270 is replaced by arginine, an amino acid with dissimilar properties. This amino acid position is conserved. In addition, this alteration is predicted to be tolerated by in silico analysis. Based on the available evidence, the clinical significance of this variant remains unclear.